The following is an entry in ClinVar:

NM_144508.5(KNL1):c.1129A>G (p.Ile377Val)

Gene: KNL1 (kinetochore scaffold 1; plus strand). Cytogenetic location: 15q15.1.
Variant type: single nucleotide variant.
Coding change: c.1129A>G on transcript NM_144508.5 (MANE Select); coding-DNA position 1129, A replaced by G.
Protein change: p.Ile377Val; replaces isoleucine 377 with valine.
Molecular consequence: missense variant.
Genome position (GRCh38, 1-based): chr15:40,621,393, A>G. VCF-style: chr15-40621393-A-G. GRCh37 (hg19) VCF-style: chr15-40913591-A-G.
Other names: c.1207A>G, p.Ile403Val (NM_170589.5); short protein forms I403V, I377V.
Identifiers: ClinVar variation 128585 (VCV000128585.38), dbSNP rs144726295, ClinGen allele CA230940.

ClinVar aggregate classification (germline): Benign/Likely benign. Review status: criteria provided, multiple submitters, no conflicts (2 of 4 stars). 4 submissions from 4 submitters: Benign (1); Likely benign (3). Last evaluated 2023-05-01.

Allele frequency attached by ClinVar (database versions not stated): gnomAD exomes 0.00027 and 0.00072; ExAC 0.00083; ESP Exome Variant Server 0.00255; 1000 Genomes Project 0.00280; 1000 Genomes Project 30x 0.00281; gnomAD 0.00296 and 0.00317; TOPMed 0.00307.

Submissions (4):

CeGaT Center for Human Genetics Tuebingen
Classification: Likely benign. Last evaluated: 2023-05-01. Review status: criteria provided, single submitter. Criteria: CeGaT Center For Human Genetics Tuebingen Variant Classification Criteria Version 2. Collection method: clinical testing. Allele origin: germline. Affected: yes. Observed: 1 variant allele.
Comment: KNL1: BP4, BS1

Labcorp Genetics (formerly Invitae), Labcorp
Classification: Benign. Last evaluated: 2019-12-31. Review status: criteria provided, single submitter. Criteria: Invitae Variant Classification Sherloc (09022015). Collection method: clinical testing. Allele origin: germline.

Genetic Services Laboratory, University of Chicago
Classification: Likely benign. Last evaluated: 2017-05-24. Review status: criteria provided, single submitter. Criteria: ACMG Guidelines, 2015. Collection method: clinical testing. Allele origin: germline. Affected: no.

Eurofins Ntd Llc (ga)
Classification: Likely benign. Last evaluated: 2017-05-23. Review status: criteria provided, single submitter. Criteria: EGL Classification Definitions 2015. Collection method: clinical testing. Allele origin: germline. Observed: 1 variant allele, 1 heterozygote.